The following is an entry in ClinVar:

NM_206933.4(USH2A):c.12159_12166del (p.Ser4054fs)

Gene: USH2A (usherin; minus strand). Cytogenetic location: 1q41.
Variant type: Deletion.
Coding change: c.12159_12166del on transcript NM_206933.4 (MANE Select); coding-DNA positions 12159 to 12166, 8 bases deleted (AAGCCCTT; older notation c.12159_12166delAAGCCCTT).
Protein change: p.Ser4054fs; shifts the reading frame from serine 4054.
Molecular consequence: frameshift variant.
Genome position (GRCh38, 1-based): chr1:215,680,277-215,680,284, AAGGGCTT deleted on the plus strand (AAGCCCTT on the coding strand, the reverse complement: USH2A is on the minus strand); deleting any 8 consecutive bases within chr1:215,680,277-215,680,286 gives the same sequence; the c. name uses the placement nearest the transcript's 3' end. VCF-style (leftmost placement, unchanged base first): chr1-215680276-CAAGGGCTT-C. GRCh37 (hg19) VCF-style: chr1-215853618-CAAGGGCTT-C.
Other names: short protein forms S4054fs.
Identifiers: ClinVar variation 4081854 (VCV004081854.2).
Genomic context (GRCh38, chr1:215,680,276, plus strand): 5'-TGTTCTACTATAAAGTTTCTCAGTCCACTTGGGGAAGATTCTAAGGTTTGAATCAGAGTC[CAAGGGCTT>C]AAAATTTCTCCTGCATGGTTTGCAGCCACAACACCAATGCGATATGTTGTGAATGGTTCT-3'

ClinVar aggregate classification (germline): Pathogenic. Review status: criteria provided, multiple submitters, no conflicts (2 of 4 stars). 3 submissions from 3 submitters: Pathogenic (3). Last evaluated 2025-09-17.

Conditions:
Retinal disorder. Also called: Retinopathy; Retinopathies; Retinal Diseases; Retinal disorders. Identifiers: MedGen C0035309, MONDO:0005283, HP:0000488.
USH2A-related disorder. Also called: USH2A-related condition; USH2A-related disorders. Identifiers: MedGen CN239332.

Submissions (3):

Genetics Laboratory, Great Ormond Street Hospital NHS Foundation Trust, North Thames Genomic Laboratory Hub
Classification: Pathogenic for Retinal disorders. Last evaluated: 2025-09-17. Review status: criteria provided, single submitter. Criteria: ACGS Best Practice Guidelines for Variant Classification in Rare Disease 2024 v1.2. Collection method: clinical testing. Allele origin: germline. Affected: yes.
Comment: PM2_moderate, PVS1_very-strong, PM3_moderate

Labcorp Genetics (formerly Invitae), Labcorp
Classification: Pathogenic. Last evaluated: 2025-05-19. Review status: criteria provided, single submitter. Criteria: Invitae Variant Classification Sherloc (09022015). Collection method: clinical testing. Allele origin: germline.
Comment: This sequence change creates a premature translational stop signal (p.Ser4054Aspfs*42) in the USH2A gene. It is expected to result in an absent or disrupted protein product. Loss-of-function variants in USH2A are known to be pathogenic (PMID: 10729113, 10909849, 20507924, 25649381). This variant is not present in population databases (gnomAD no frequency). This variant has not been reported in the literature in individuals affected with USH2A-related conditions. For these reasons, this variant has been classified as Pathogenic.

Myriad Genetics, Inc.
Classification: Pathogenic for USH2A-related disorder. Last evaluated: 2025-05-12. Review status: criteria provided, single submitter. Criteria: Myriad Autosomal Dominant, Autosomal Recessive and X-Linked Classification Criteria (2023). Collection method: clinical testing. Allele origin: unknown.
Comment: NM_206933.2(USH2A):c.12159_12166del8(S4054Dfs*42) is a frameshift variant classified as pathogenic in the context of USH2A-related disorders. S4054Dfs*42 has not been observed in cases with relevant disease. Relevant functional assessments of this variant are not available in the literature. S4054Dfs*42 has not been observed in referenced population frequency databases. In summary, NM_206933.2(USH2A):c.12159_12166del8(S4054Dfs*42) is a frameshift variant in a gene where loss of function is a known mechanism of disease and is predicted to disrupt protein function. Please note: this variant was assessed in the context of healthy population screening.

Literature cited by the submitters: PubMed 10729113 (cited by Labcorp Genetics (formerly Invitae), Labcorp); PubMed 10909849 (cited by Labcorp Genetics (formerly Invitae), Labcorp); PubMed 20507924 (cited by Labcorp Genetics (formerly Invitae), Labcorp); PubMed 25649381 (cited by Labcorp Genetics (formerly Invitae), Labcorp).